The following is an entry in ClinVar:

ClinVar aggregate classification (germline): Uncertain significance (1 of 4 stars; one submission).

Conditions:
Inborn genetic diseases. Identifiers: MedGen C0950123, MeSH D030342.

Submission:

Ambry Genetics
Classification: Uncertain significance for Inborn genetic diseases. Last evaluated: 2025-10-22. Review status: criteria provided, single submitter. Criteria: Ambry Variant Classification Scheme 2023. Collection method: clinical testing. Allele origin: germline.
Comment: The p.A313S variant (also known as c.937G>T), located in coding exon 5 of the ETV6 gene, results from a G to T substitution at nucleotide position 937. The alanine at codon 313 is replaced by serine, an amino acid with similar properties. This amino acid position is conserved. In addition, this alteration is predicted to be tolerated by in silico analysis. Based on the available evidence, the clinical significance of this variant remains unclear.

NM_001987.5(ETV6):c.937G>T (p.Ala313Ser)

Gene: ETV6 (ETS variant transcription factor 6; plus strand). Cytogenetic location: 12p13.2.
Variant type: single nucleotide variant.
Coding change: c.937G>T on transcript NM_001987.5 (MANE Select); coding-DNA position 937, G replaced by T.
Protein change: p.Ala313Ser; replaces alanine 313 with serine.
Molecular consequence: missense variant.
Genome position (GRCh38, 1-based): chr12:11,869,897, G>T. VCF-style: chr12-11869897-G-T. GRCh37 (hg19) VCF-style: chr12-12022831-G-T.
Other names: c.934G>T, p.Ala312Ser (NM_001413913.1); c.910G>T, p.Ala304Ser (NM_001413914.1); c.673G>T, p.Ala225Ser (NM_001413915.1); c.937G>T, p.Ala313Ser (NM_001413916.1, NM_001413917.1); short protein forms A225S, A312S, A313S, A304S.
Identifiers: ClinVar variation 4618858 (VCV004618858.1).